The following is an entry in ClinVar:

ClinVar aggregate classification (germline): Likely benign. Review status: criteria provided, multiple submitters, no conflicts (2 of 4 stars). 3 submissions from 3 submitters: Likely benign (3). Last evaluated 2026-09-01.

Allele frequency attached by ClinVar (database versions not stated): gnomAD 0.00009 and 0.00010; gnomAD exomes 0.00010 and 0.00019; TOPMed 0.00014; 1000 Genomes Project 0.00020; ExAC 0.00021; ESP Exome Variant Server 0.00023; 1000 Genomes Project 30x 0.00031.
gnomAD v4.1: 179 of 1,581,622 alleles (0.011%); highest among the groups gnomAD compares: Middle Eastern, 0.55%; no homozygotes.

Submissions (3):

CeGaT Center for Human Genetics Tuebingen
Classification: Likely benign. Last evaluated: 2026-09-01. Review status: criteria provided, single submitter. Criteria: CeGaT Center For Human Genetics Tuebingen Variant Classification Criteria Version 2. Collection method: clinical testing. Allele origin: germline. Affected: yes. Observed: 5 variant alleles.
Comment: MCM3AP: BP4, BP7

Labcorp Genetics (formerly Invitae), Labcorp
Classification: Likely benign. Last evaluated: 2025-12-15. Review status: criteria provided, single submitter. Criteria: Invitae Variant Classification Sherloc (09022015). Collection method: clinical testing. Allele origin: germline.

Blueprint Genetics
Classification: Likely benign. Last evaluated: 2024-11-22. Review status: criteria provided, single submitter. Criteria: ACMG Guidelines, 2015. Collection method: clinical testing. Allele origin: germline.

NM_003906.5(MCM3AP):c.2199T>C (p.Asp733=)

Gene: MCM3AP (minichromosome maintenance complex component 3 associated protein; minus strand). Cytogenetic location: 21q22.3.
Variant type: single nucleotide variant.
Coding change: c.2199T>C on transcript NM_003906.5 (MANE Select); coding-DNA position 2199, T replaced by C.
Protein change: p.Asp733=; no amino-acid change (aspartic acid 733 retained).
Molecular consequence: synonymous variant.
Genome position (GRCh38, 1-based): chr21:46,272,827, A>G on the plus strand (T>C on the coding strand, the complement: MCM3AP is on the minus strand). VCF-style: chr21-46272827-A-G. GRCh37 (hg19) VCF-style: chr21-47692741-A-G.
Identifiers: ClinVar variation 1568001 (VCV001568001.32), dbSNP rs143129429, ClinGen allele CA10076854.